The following is an entry in ClinVar:

ClinVar aggregate classification (germline): Likely pathogenic (1 of 4 stars; one submission).

Conditions:
Infantile nephronophthisis (NPHP2). Also called: Nephronophthisis 2, infantile; Nephronophthisis 2. Identifiers: Orphanet 655, Orphanet 93591, MedGen C1865872, MONDO:0011190, OMIM 602088.

Submission:

Victorian Clinical Genetics Services, Murdoch Childrens Research Institute
Classification: Likely pathogenic for Infantile nephronophthisis. Last evaluated: 2022-03-31. Review status: criteria provided, single submitter. Criteria: ACMG Guidelines, 2015. Collection method: clinical testing. Allele origin: germline. Inheritance: Autosomal recessive inheritance.
Comment: Based on the classification scheme VCGS_Germline_v1.3.4, this variant is classified as Likely pathogenic. Following criteria are met: 0102 - Loss of function is a known mechanism of disease in this gene and is associated with infantile nephronophthisis 2 (MIM#602088). (I) 0106 - This gene is associated with autosomal recessive disease. (I) 0205 - Variant is predicted to result in a truncated protein (premature termination codon is NOT located at least 54 nucleotides upstream of the final exon-exon junction) with less than 1/3 of the protein sequence affected. (SP) 0251 - This variant is heterozygous. (I) 0301 - Variant is absent from gnomAD (both v2 and v3). (SP) 0601 - Variant is located in the well-established functional C-terminal region. The C-terminal region of this protein has been proven using a mouse homologue to be important in protein localization (PMID: 19050042). (SP) 0705 - No comparable protein truncating variants have previous evidence for pathogenicity. (I) 0807 - This variant has no previous evidence of pathogenicity. (I) 0905 - No published segregation evidence has been identified for this variant. (I) 1007 - No published functional evidence has been identified for this variant. (I) 1102 - Strong phenotype match for this individual. (SP) 1201 - Heterozygous variant detected in trans with a second pathogenic heterozygous variant (p.Arg907*) in a recessive disease. (I) Legend: (SP) - Supporting pathogenic, (I) - Information, (SB) - Supporting benign

Literature cited by the submitters: PubMed 19050042.

NM_014425.5(INVS):c.3062_3063del (p.Lys1021fs)

Gene: INVS (inversin; plus strand). Cytogenetic location: 9q31.1.
Variant type: Deletion.
Coding change: c.3062_3063del on transcript NM_014425.5 (MANE Select); coding-DNA positions 3062 to 3063, 2 bases deleted (AA; older notation c.3062_3063delAA).
Protein change: p.Lys1021fs; shifts the reading frame from lysine 1021.
Molecular consequence: frameshift variant. On other transcripts: non-coding transcript variant (1).
Genome position (GRCh38, 1-based): chr9:100,297,981-100,297,982, AA deleted; deleting any 2 consecutive bases within chr9:100,297,979-100,297,982 gives the same sequence; the c. name uses the placement nearest the transcript's 3' end. VCF-style (leftmost placement, unchanged base first): chr9-100297978-TAA-T. GRCh37 (hg19) VCF-style: chr9-103060260-TAA-T.
Other names: c.2774_2775del, p.Lys925fs (NM_001318381.2); c.2084_2085del, p.Lys695fs (NM_001318382.2); c.3062_3063delAA (NM_014425.4); short protein forms K1021fs, K695fs, K925fs.
Identifiers: ClinVar variation 2500748 (VCV002500748.2), dbSNP rs2490137922, ClinGen allele CA2573102959.
Genomic context (GRCh38, chr9:100,297,978, plus strand): 5'-GTTGTTGGTTCATTTCAGGTTGTTCTCACGAAGGGAAAATACATCATCCTACAAGATCTG[TAA>T]AAGCCTCTTCTGTGCTGCGTCTCAACTCAGGTAAGGCAGCCACTGCAAAGCAGATGGTGG-3'